The following is an entry in ClinVar:

NM_001369.3(DNAH5):c.6466C>T (p.Arg2156Cys)

Gene: DNAH5 (dynein axonemal heavy chain 5; minus strand). Cytogenetic location: 5p15.2.
Variant type: single nucleotide variant.
Coding change: c.6466C>T on transcript NM_001369.3 (MANE Select); coding-DNA position 6466, C replaced by T.
Protein change: p.Arg2156Cys; replaces arginine 2156 with cysteine.
Molecular consequence: missense variant.
Genome position (GRCh38, 1-based): chr5:13,824,312, G>A on the plus strand (C>T on the coding strand, the complement: DNAH5 is on the minus strand). VCF-style: chr5-13824312-G-A. GRCh37 (hg19) VCF-style: chr5-13824421-G-A.
Other names: c.6466C>T (NM_001369.2); short protein forms R2156C.
Identifiers: ClinVar variation 2415691 (VCV002415691.13), dbSNP rs779983997, ClinGen allele CA3203386.
Genomic context (GRCh38, chr5:13,824,312, plus strand): 5'-TATCCATTGGATTGGCTCTTTTTGCTGCTCCCAAGGTCCGAAGAACTGACAGAATGTTAC[G>A]CAGGCCAAAGTCATAATGAACCTAGAGAATGTGAGATACATTGGGCTTATTTTCAACATT-3'
Protein context (NP_001360.1, residues 2146-2166): SKQVHYDFGL[Arg2156Cys]NILSVLRTLG

ClinVar aggregate classification (germline): Uncertain significance. Review status: criteria provided, multiple submitters, no conflicts (2 of 4 stars). 3 submissions from 3 submitters: Uncertain significance (3). Last evaluated 2025-12-03.

Conditions:
Primary ciliary dyskinesia. Also called: Ciliary dyskinesia. Identifiers: Orphanet 244, MedGen C0008780, MONDO:0016575, HP:0012265.

Allele frequency attached by ClinVar (database versions not stated): ExAC 0.00001; gnomAD exomes 0.00001; TOPMed 0.00001; gnomAD 0.00002.
gnomAD v4.1: 17 of 1,613,880 alleles (0.0011%); highest among the groups gnomAD compares: Admixed American, 0.0017%; no homozygotes.

Submissions (3):

Ambry Genetics
Classification: Uncertain significance for Primary ciliary dyskinesia. Last evaluated: 2025-12-03. Review status: criteria provided, single submitter. Criteria: Ambry Variant Classification Scheme 2023. Collection method: clinical testing. Allele origin: germline.

GeneDx
Classification: Uncertain significance. Last evaluated: 2025-01-06. Review status: criteria provided, single submitter. Criteria: GeneDx Variant Classification Process June 2021. Collection method: clinical testing. Allele origin: germline. Affected: yes.
Comment: In silico analysis supports that this missense variant has a deleterious effect on protein structure/function; Has not been previously published as pathogenic or benign to our knowledge

Labcorp Genetics (formerly Invitae), Labcorp
Classification: Uncertain significance for Primary ciliary dyskinesia. Last evaluated: 2021-08-25. Review status: criteria provided, single submitter. Criteria: Invitae Variant Classification Sherloc (09022015). Collection method: clinical testing. Allele origin: germline.
Comment: This sequence change replaces arginine with cysteine at codon 2156 of the DNAH5 protein (p.Arg2156Cys). The arginine residue is highly conserved and there is a large physicochemical difference between arginine and cysteine. This variant is present in population databases (rs779983997, ExAC 0.002%). This variant has not been reported in the literature in individuals affected with DNAH5-related conditions. Algorithms developed to predict the effect of missense changes on protein structure and function are either unavailable or do not agree on the potential impact of this missense change (SIFT: "Deleterious"; PolyPhen-2: "Possibly Damaging"; Align-GVGD: "Class C0"). In summary, the available evidence is currently insufficient to determine the role of this variant in disease. Therefore, it has been classified as a Variant of Uncertain Significance.